The following is an entry in ClinVar:

NM_001354604.2(MITF):c.443C>G (p.Ala148Gly)

Gene: MITF (melanocyte inducing transcription factor; plus strand). Cytogenetic location: 3p13.
Variant type: single nucleotide variant.
Coding change: c.443C>G on transcript NM_001354604.2 (MANE Select); coding-DNA position 443, C replaced by G.
Protein change: p.Ala148Gly; replaces alanine 148 with glycine.
Molecular consequence: missense variant. On other transcripts: intron variant (1).
Genome position (GRCh38, 1-based): chr3:69,937,910, C>G. VCF-style: chr3-69937910-C-G. GRCh37 (hg19) VCF-style: chr3-69987061-C-G.
Other names: c.122C>G, p.Ala41Gly (NM_000248.4, NM_001184968.2, NM_198158.3); c.287C>G, p.Ala96Gly (NM_001184967.2, NM_001354608.2); c.440C>G, p.Ala147Gly (NM_001354605.2, NM_001354606.2, NM_006722.3); c.392C>G, p.Ala131Gly (NM_001354607.2); c.443C>G, p.Ala148Gly (NM_198159.3); c.395C>G, p.Ala132Gly (NM_198177.3); c.93+29C>G (NM_198178.3); short protein forms A131G, A132G, A147G, A148G, A96G, A41G.
Identifiers: ClinVar variation 3873211 (VCV003873211.1).

ClinVar aggregate classification (germline): Uncertain significance (1 of 4 stars; one submission).

Conditions:
Hereditary cancer-predisposing syndrome. Also called: Tumor predisposition; Neoplastic Syndromes, Hereditary; Hereditary Cancer Syndrome; Hereditary neoplastic syndrome. Identifiers: Orphanet 140162, MedGen C0027672, MeSH D009386, MONDO:0015356.

Submission:

Ambry Genetics
Classification: Uncertain significance for Hereditary cancer-predisposing syndrome. Last evaluated: 2024-12-25. Review status: criteria provided, single submitter. Criteria: Ambry Variant Classification Scheme 2023. Collection method: clinical testing. Allele origin: germline.
Comment: The p.A41G variant (also known as c.122C>G), located in coding exon 2 of the MITF gene, results from a C to G substitution at nucleotide position 122. The alanine at codon 41 is replaced by glycine, an amino acid with similar properties. This amino acid position is conserved. In addition, this alteration is predicted to be tolerated by in silico analysis. Based on the available evidence, the clinical significance of this variant remains unclear.